The following is an entry in ClinVar:

NM_002838.5(PTPRC):c.3851C>G (p.Thr1284Arg)

Gene: PTPRC (protein tyrosine phosphatase receptor type C; plus strand). Cytogenetic location: 1q32.1.
Variant type: single nucleotide variant.
Coding change: c.3851C>G on transcript NM_002838.5 (MANE Select); coding-DNA position 3851, C replaced by G.
Protein change: p.Thr1284Arg; replaces threonine 1284 with arginine.
Molecular consequence: missense variant.
Genome position (GRCh38, 1-based): chr1:198,756,111, C>G. VCF-style: chr1-198756111-C-G. GRCh37 (hg19) VCF-style: chr1-198725240-C-G.
Other names: c.3368C>G, p.Thr1123Arg (NM_080921.4); short protein forms T1123R, T1284R.
Identifiers: ClinVar variation 4740604 (VCV004740604.1).

ClinVar aggregate classification (germline): Uncertain significance (1 of 4 stars; one submission).

Conditions:
Immunodeficiency 104. Also called: IMMUNODEFICIENCY 104, SEVERE COMBINED; Severe combined immunodeficiency, autosomal recessive, T cell-negative, B cell-positive, NK cell-positive; Severe Combined Immune Deficiency, Autosomal Recessive, TCell -Negative, B Cell-Positive, NK Cell-Positive, IL7R-Related; SCID, AUTOSOMAL RECESSIVE, T CELL-NEGATIVE, B CELL-POSITIVE, NK CELL-POSITIVE. Identifiers: MedGen C5676890, MONDO:0012163, OMIM 608971.

gnomAD v4.1: 4 of 1,613,256 alleles (0.00025%); highest among the groups gnomAD compares: Admixed American, 0.0033%; no homozygotes.

Submission:

Labcorp Genetics (formerly Invitae), Labcorp
Classification: Uncertain significance for Immunodeficiency 104. Last evaluated: 2025-09-25. Review status: criteria provided, single submitter. Criteria: Invitae Variant Classification Sherloc (09022015). Collection method: clinical testing. Allele origin: germline.
Comment: This sequence change replaces threonine, which is neutral and polar, with arginine, which is basic and polar, at codon 1284 of the PTPRC protein (p.Thr1284Arg). This variant is present in population databases (no rsID available, gnomAD 0.004%). This variant has not been reported in the literature in individuals affected with PTPRC-related conditions. An algorithm developed to predict the effect of missense changes on protein structure and function (PolyPhen-2) suggests that this variant is likely to be disruptive. In summary, the available evidence is currently insufficient to determine the role of this variant in disease. Therefore, it has been classified as a Variant of Uncertain Significance.